The following is an entry in ClinVar:

ClinVar aggregate classification (germline): Uncertain significance (1 of 4 stars; one submission).

Conditions:
Emery-Dreifuss muscular dystrophy (EDMD). Also called: Scapuloperoneal syndrome, X-linked (formerly); Humeroperoneal neuromuscular disease, (formerly). Identifiers: Orphanet 261, MedGen C0410189, MONDO:0016830.

Allele frequency attached by ClinVar (database versions not stated): TOPMed 0.00001; gnomAD 0.00002.
gnomAD v4.1: 3 of 1,614,086 alleles (0.00019%); highest among the groups gnomAD compares: African/African-American, 0.004%; no homozygotes.

Submission:

Labcorp Genetics (formerly Invitae), Labcorp
Classification: Uncertain significance for Emery-Dreifuss muscular dystrophy. Last evaluated: 2021-12-19. Review status: criteria provided, single submitter. Criteria: Invitae Variant Classification Sherloc (09022015). Collection method: clinical testing. Allele origin: germline.
Comment: This sequence change affects an acceptor splice site in intron 6 of the SUN2 gene. It is expected to disrupt RNA splicing. Variants that disrupt the donor or acceptor splice site typically lead to a loss of protein function (PMID: 16199547), however the current clinical and genetic evidence is not sufficient to establish whether loss-of-function variants in SUN2 cause disease. This variant is present in population databases (no rsID available, gnomAD 0.02%). This variant has not been reported in the literature in individuals affected with SUN2-related conditions. Algorithms developed to predict the effect of sequence changes on RNA splicing suggest that this variant may disrupt the consensus splice site. In summary, the available evidence is currently insufficient to determine the role of this variant in disease. Therefore, it has been classified as a Variant of Uncertain Significance.

Literature cited by the submitters: PubMed 16199547.

NM_015374.3(SUN2):c.615-2A>G

Gene: SUN2 (Sad1 and UNC84 domain containing 2; minus strand). Cytogenetic location: 22q13.1.
Variant type: single nucleotide variant.
Coding change: c.615-2A>G on transcript NM_015374.3 (MANE Select); the canonical splice acceptor site of the intron before coding-DNA position 615, A replaced by G.
Molecular consequence: splice acceptor variant. On other transcripts: intron variant (2).
Genome position (GRCh38, 1-based): chr22:38,748,785, T>C on the plus strand (A>G on the coding strand, the complement: SUN2 is on the minus strand). VCF-style: chr22-38748785-T-C. GRCh37 (hg19) VCF-style: chr22-39144790-T-C.
Other names: c.678-2A>G (NM_001199579.2, NM_001394428.1); c.660-2A>G (NM_001394430.1, NM_001394429.1); c.615-2A>G (NM_001394434.1, NM_001394435.1, NM_001394436.1 and 7 more transcripts); c.614+981A>G (NM_001394445.1, NM_001394444.1); c.477-2A>G (NM_001394441.1, NM_001394440.1, NM_001394439.1); c.123-2A>G (NM_001394443.1); c.525-2A>G (NM_001394438.1).
Identifiers: ClinVar variation 1413667 (VCV001413667.3), dbSNP rs1272584066, ClinGen allele CA411586104.